The following is an entry in ClinVar:

ClinVar aggregate classification (germline): Uncertain significance. Review status: criteria provided, multiple submitters, no conflicts (2 of 4 stars). 2 submissions from 2 submitters: Uncertain significance (2). Last evaluated 2023-07-04.

Allele frequency attached by ClinVar (database versions not stated): TOPMed 0.00002; gnomAD 0.00004 and 0.00005; gnomAD exomes 0.00004 and 0.00006; ExAC 0.00005; ESP Exome Variant Server 0.00008; 1000 Genomes Project 30x 0.00016.
gnomAD v4.1: 90 of 1,612,370 alleles (0.0056%); highest among the groups gnomAD compares: Non-Finnish European, 0.0063%; no homozygotes.

Submissions (2):

Blueprint Genetics
Classification: Uncertain significance. Last evaluated: 2023-07-04. Review status: criteria provided, single submitter. Criteria: ACMG Guidelines, 2015. Collection method: clinical testing. Allele origin: germline.

Laboratory for Molecular Medicine, Mass General Brigham Personalized Medicine
Classification: Uncertain significance. Last evaluated: 2017-02-07. Review status: criteria provided, single submitter. Criteria: LMM Criteria. Collection method: clinical testing. Allele origin: germline. Observed: 1 variant allele.
Comment: The p.Glu1153Lys variant in OTOGL has not been previously reported in individual s with hearing loss, but has been identified in 4/55168 European chromosomes by the Exome Aggregation Consortium (ExAC; dbSNP rs 374891321). Although this variant has been seen in the general population, its f requency is not high enough to rule out a pathogenic role. Computational predict ion tools and conservation analyses suggest that this variant may not impact the protein, though this information is not predictive enough to rule out pathogeni city. In summary, the clinical significance of the p.Glu1153Lys variant is uncer tain.

NM_001378609.3(OTOGL):c.3484G>A (p.Glu1162Lys)

Gene: OTOGL (otogelin like; plus strand). Cytogenetic location: 12q21.31.
Variant type: single nucleotide variant.
Coding change: c.3484G>A on transcript NM_001378609.3 (MANE Select); coding-DNA position 3484, G replaced by A.
Protein change: p.Glu1162Lys; replaces glutamic acid 1162 with lysine.
Molecular consequence: missense variant.
Genome position (GRCh38, 1-based): chr12:80,313,509, G>A. VCF-style: chr12-80313509-G-A. GRCh37 (hg19) VCF-style: chr12-80707289-G-A.
Other names: c.3349G>A, p.Glu1117Lys (NM_001368062.3); c.3484G>A, p.Glu1162Lys (NM_001378610.3, NM_173591.7); short protein forms E1153K, E1117K, E1162K.
Identifiers: ClinVar variation 504849 (VCV000504849.6), dbSNP rs374891321, ClinGen allele CA6701097.